The following is an entry in ClinVar:

NM_001330723.2(SNX27):c.1426C>T (p.Arg476Ter)

Gene: SNX27 (sorting nexin 27; plus strand). Cytogenetic location: 1q21.3.
Variant type: single nucleotide variant.
Coding change: c.1426C>T on transcript NM_001330723.2 (MANE Select); coding-DNA position 1426, C replaced by T.
Protein change: p.Arg476Ter; replaces arginine 476 with a stop codon.
Molecular consequence: nonsense.
Genome position (GRCh38, 1-based): chr1:151,692,947, C>T. VCF-style: chr1-151692947-C-T. GRCh37 (hg19) VCF-style: chr1-151665423-C-T.
Other names: c.1426C>T, p.Arg476Ter (NM_030918.6); short protein forms R476*.
Identifiers: ClinVar variation 1374398 (VCV001374398.6), dbSNP rs1346732190, ClinGen allele CA341972939.

ClinVar aggregate classification (germline): Pathogenic (1 of 4 stars; one submission).

Conditions:
Severe myoclonic epilepsy in infancy (DRVT). Also called: Dravet syndrome; Epileptic encephalopathy, early infantile, 6 (Dravet syndrome); SEVERE MYOCLONIC EPILEPSY OF INFANCY; DEVELOPMENTAL AND EPILEPTIC ENCEPHALOPATHY 6A; Severe Myoclonic Epilepsy in Infancy (SMEI). Identifiers: Orphanet 33069, MedGen C0751122, MONDO:0100135, OMIM 607208.

Allele frequency attached by ClinVar (database versions not stated): TOPMed below 0.00001; gnomAD 0.00001; gnomAD exomes 0.00001.
gnomAD v4.1: 4 of 1,613,962 alleles (0.00025%); highest among the groups gnomAD compares: Admixed American, 0.0017%; no homozygotes.

Submission:

Labcorp Genetics (formerly Invitae), Labcorp
Classification: Pathogenic for Severe myoclonic epilepsy in infancy. Last evaluated: 2024-03-11. Review status: criteria provided, single submitter. Criteria: Invitae Variant Classification Sherloc (09022015). Collection method: clinical testing. Allele origin: germline.
Comment: This sequence change creates a premature translational stop signal (p.Arg476*) in the SNX27 gene. It is expected to result in an absent or disrupted protein product. Loss-of-function variants in SNX27 are known to be pathogenic (PMID: 25894286). This variant is present in population databases (no rsID available, gnomAD 0.007%). This variant has not been reported in the literature in individuals affected with SNX27-related conditions. ClinVar contains an entry for this variant (Variation ID: 1374398). Algorithms developed to predict the effect of sequence changes on RNA splicing suggest that this variant may disrupt the consensus splice site. For these reasons, this variant has been classified as Pathogenic.

Literature cited by the submitters: PubMed 25894286.